The following is an entry in ClinVar:

ClinVar aggregate classification (germline): Conflicting classifications of pathogenicity. Review status: criteria provided, conflicting classifications (1 of 4 stars). 9 submissions from 9 submitters: Pathogenic (1); Uncertain significance (7); Benign (1). Last evaluated 2026-07-07.

Conditions:
SLC34A1-related disorder. Also called: SLC34A1-related condition; SLC34A1-related disorders.
Hypercalcemia, infantile, 2 (HCINF2). Identifiers: Orphanet 300547, MedGen C4310473, MONDO:0014851, OMIM 616963.
Hypophosphatemic nephrolithiasis/osteoporosis 1. Identifiers: Orphanet 244305, MedGen C2676786, MONDO:0012850, OMIM 612286.
Fanconi renotubular syndrome 2 (FRTS2). Identifiers: MedGen C3150652, MONDO:0013247, OMIM 613388.

Allele frequency attached by ClinVar (database versions not stated): gnomAD 0.00036 and 0.00038; TOPMed 0.00043; ESP Exome Variant Server 0.00054; gnomAD exomes 0.00055 and 0.00066; ExAC 0.00067; 1000 Genomes Project 0.00100; 1000 Genomes Project 30x 0.00125.
gnomAD v4.1: 1,008 of 1,612,456 alleles (0.063%); highest among the groups gnomAD compares: Non-Finnish European, 0.077%; 1 homozygote.

Submissions (9):

PreventionGenetics, part of Exact Sciences
Classification: Uncertain significance for SLC34A1-related condition. Last evaluated: 2026-07-07. Review status: criteria provided, single submitter. Criteria: ACMG Guidelines, 2015. Collection method: clinical testing. Allele origin: germline.
Comment: The SLC34A1 c.1416+5G>A variant is predicted to interfere with splicing. This variant has been reported in the biallelic state with different SLC34A1 variants in three individuals with infantile hypercalcemia, suggesting this variant may be involved in autosomal recessive disease (Table S2 and S4 in Schlingmann et al. 2016. PubMed ID: 26047794; Molin et al. 2021. PubMed ID: 34721296). In addition, this variant has been reported as heterozygous state with a variant in SLC34A3 in an individual with SLC34A1 associated disorder (Figure 5. Cogal et al. 2025. PubMed ID: 40794449). This variant is reported in 0.083% of alleles in individuals of European (non-Finnish) descent in gnomAD. At this time, however, the clinical significance of this variant is uncertain due to the absence of conclusive functional and genetic evidence.

GeneDx
Classification: Uncertain significance. Last evaluated: 2026-02-25. Review status: criteria provided, single submitter. Criteria: GeneDx Variant Classification Process June 2021. Collection method: clinical testing. Allele origin: germline. Affected: yes.
Comment: Identified as a single heterozygous variant in a patient with infantile hypercalcemia (PMID: 31672324); In silico analysis indicates that this variant does not alter splicing; This variant is associated with the following publications: (PMID: 31672324, 34426522, 34721296, 26047794, 39256228, 38972501, 40794449)

Rare Kidney Stone Consortium and the Mayo Clinic Hyperoxaluria Center, Mayo Clinic
Classification: Pathogenic for Fanconi renotubular syndrome 2; Hypercalcemia, infantile, 2; Hypophosphatemic nephrolithiasis/osteoporosis 1. Last evaluated: 2025-10-03. Review status: criteria provided, single submitter. Criteria: ACMG Guidelines, 2015. Collection method: research. Allele origin: germline. Affected: yes. Observed: 2 variant alleles.
Comment: ACMG:PM2, PM3, PP3, PP4

MVZ Medizinische Genetik Mainz
Classification: Uncertain significance for Hypophosphatemic nephrolithiasis/osteoporosis 1. Last evaluated: 2024-09-26. Review status: criteria provided, single submitter. Criteria: UK Practice Guidelines For Variant Classification V4 01 2020. Collection method: clinical testing. Allele origin: germline. Inheritance: Autosomal dominant inheritance. Affected: yes. Observed: 1 variant allele.
Comment: ACMG Criteria: PM3,PP4

Women's Health and Genetics/Laboratory Corporation of America, LabCorp
Classification: Uncertain significance. Last evaluated: 2024-04-30. Review status: criteria provided, single submitter. Criteria: LabCorp Variant Classification Summary - May 2015. Collection method: clinical testing. Allele origin: germline.
Comment: Variant summary: SLC34A1 c.1416+5G>A alters a non-conserved nucleotide located close to a canonical splice site and therefore could affect mRNA splicing, leading to a significantly altered protein sequence. Several computational tools predict a significant impact on normal splicing: Two predict the variant abolishes a 5' splicing donor site. Two predict the variant weakens a 5' donor site. However, these predictions have yet to be confirmed by functional studies. The variant allele was found at a frequency of 0.00063 in 1612456 control chromosomes in the gnomAD database, including 1 homozygotes. c.1416+5G>A has been reported in the literature in compound heterozygous individuals affected with Idiopathic infantile hypercalcemia (Schlingmann_2016). These data do not allow any conclusion about variant significance. To our knowledge, no experimental evidence demonstrating an impact on protein function has been reported. The following publications have been ascertained in the context of this evaluation (PMID: 31672324, 26047794). ClinVar contains an entry for this variant (Variation ID: 352971). Based on the evidence outlined above, the variant was classified as uncertain significance.

Fulgent Genetics
Classification: Uncertain significance for Hypophosphatemic nephrolithiasis/osteoporosis 1; Fanconi renotubular syndrome 2; Hypercalcemia, infantile, 2. Last evaluated: 2024-02-14. Review status: criteria provided, single submitter. Criteria: ACMG Guidelines, 2015. Collection method: clinical testing. Allele origin: germline.

Institute of Human Genetics, University of Leipzig Medical Center
Classification: Uncertain significance for Hypercalcemia, infantile, 2. Last evaluated: 2023-03-22. Review status: criteria provided, single submitter. Criteria: ACMG Guidelines, 2015. Collection method: clinical testing. Allele origin: unknown. Affected: yes.
Comment: _x000D_This variant was identified together with NM_003052.5:c.644+5G>A. Criteria applied: PM2_SUP, PM3_SUP, PP3

Labcorp Genetics (formerly Invitae), Labcorp
Classification: Uncertain significance. Last evaluated: 2022-10-17. Review status: criteria provided, single submitter. Criteria: Invitae Variant Classification Sherloc (09022015). Collection method: clinical testing. Allele origin: germline.
Comment: This sequence change falls in intron 12 of the SLC34A1 gene. It does not directly change the encoded amino acid sequence of the SLC34A1 protein. It affects a nucleotide within the consensus splice site. This variant is present in population databases (rs202081023, gnomAD 0.08%), and has an allele count higher than expected for a pathogenic variant. This variant has been observed in individuals with SLC34A1-related diseases (PMID: 26047794). ClinVar contains an entry for this variant (Variation ID: 352971). Variants that disrupt the consensus splice site are a relatively common cause of aberrant splicing (PMID: 17576681, 9536098). Algorithms developed to predict the effect of sequence changes on RNA splicing suggest that this variant is not likely to affect RNA splicing. In summary, the available evidence is currently insufficient to determine the role of this variant in disease. Therefore, it has been classified as a Variant of Uncertain Significance.

Illumina Laboratory Services, Illumina
Classification: Benign for Hypophosphatemic nephrolithiasis/osteoporosis 1. Last evaluated: 2018-01-13. Review status: criteria provided, single submitter. Criteria: ICSL Variant Classification Criteria 13 December 2019. Collection method: clinical testing. Allele origin: germline.
Comment: This variant was observed in the ICSL laboratory as part of a predisposition screen in an ostensibly healthy population. It had not been previously curated by ICSL or reported in the Human Gene Mutation Database (HGMD: prior to June 1st, 2018), and was therefore a candidate for classification through an automated scoring system. Utilizing variant allele frequency, disease prevalence and penetrance estimates, and inheritance mode, an automated score was calculated to assess if this variant is too frequent to cause the disease. Based on the score and internal cut-off values, a variant classified as benign is not then subjected to further curation. The score for this variant resulted in a classification of benign for this disease.

Literature cited by the submitters: PubMed 26047794 (cited by 3 submitters); PubMed 31672324 (cited by Rare Kidney Stone Consortium and the Mayo Clinic Hyperoxaluria Center, Mayo Clinic and Women's Health and Genetics/Laboratory Corporation of America, LabCorp); PubMed 34426522 (cited by Rare Kidney Stone Consortium and the Mayo Clinic Hyperoxaluria Center, Mayo Clinic); PubMed 38972501 (cited by Rare Kidney Stone Consortium and the Mayo Clinic Hyperoxaluria Center, Mayo Clinic); PubMed 39256228 (cited by Rare Kidney Stone Consortium and the Mayo Clinic Hyperoxaluria Center, Mayo Clinic); PubMed 40794449 (cited by Rare Kidney Stone Consortium and the Mayo Clinic Hyperoxaluria Center, Mayo Clinic); PubMed 17576681 (cited by Labcorp Genetics (formerly Invitae), Labcorp); PubMed 9536098 (cited by Labcorp Genetics (formerly Invitae), Labcorp).

NM_003052.5(SLC34A1):c.1416+5G>A

Gene: SLC34A1 (solute carrier family 34 member 1; plus strand). Cytogenetic location: 5q35.3.
Variant type: single nucleotide variant.
Coding change: c.1416+5G>A on transcript NM_003052.5 (MANE Select); 5 bases into the intron after coding-DNA position 1416, G replaced by A.
Molecular consequence: intron variant.
Genome position (GRCh38, 1-based): chr5:177,397,079, G>A. VCF-style: chr5-177397079-G-A. GRCh37 (hg19) VCF-style: chr5-176824080-G-A.
Identifiers: ClinVar variation 352971 (VCV000352971.18), dbSNP rs202081023, ClinGen allele CA3580778.